The following is an entry in ClinVar:

NM_182931.3(KMT2E):c.280del (p.Thr94fs)

Gene: KMT2E (lysine methyltransferase 2E (inactive); plus strand). Cytogenetic location: 7q22.3.
Variant type: Deletion.
Coding change: c.280del on transcript NM_182931.3 (MANE Select); coding-DNA position 280, one base deleted (A; older notation c.280delA).
Protein change: p.Thr94fs; shifts the reading frame from threonine 94.
Molecular consequence: frameshift variant.
Genome position (GRCh38, 1-based): chr7:105,063,444, A deleted. VCF-style (leftmost placement, unchanged base first): chr7-105063443-CA-C. GRCh37 (hg19) VCF-style: chr7-104703890-CA-C.
Other names: c.280del, p.Thr94fs (NM_018682.4); short protein forms T94fs.
Identifiers: ClinVar variation 805897 (VCV000805897.3), dbSNP rs1584746915, ClinGen allele CA913184786.

ClinVar aggregate classification (germline): Conflicting classifications of pathogenicity. Review status: criteria provided, conflicting classifications (1 of 4 stars). 2 submissions from 2 submitters: Pathogenic (1); Uncertain significance (1). Last evaluated 2020-10-23.

Submissions (2):

Institute of Medical Genetics and Applied Genomics, University Hospital Tübingen
Classification: Pathogenic. Last evaluated: 2020-10-23. Review status: criteria provided, single submitter. Criteria: ACMG Guidelines, 2015. Collection method: clinical testing. Allele origin: germline. Inheritance: Unknown mechanism. Affected: yes.

Broad Center for Mendelian Genomics, Broad Institute of MIT and Harvard
Classification: Uncertain significance. Last evaluated: 2019-02-07. Review status: criteria provided, single submitter. Criteria: ACMG Guidelines, 2015. Collection method: research. Allele origin: de novo. Inheritance: Autosomal dominant inheritance. Affected: yes.
Comment: The p.Thr94fs*25 variant in KMT2E has not been previously reported in individuals with intellectual disabilities and was absent from large population studies. This variant is predicted to cause a frameshift, which alters the proteinâ€™s amino acid sequence beginning at position 94 and leads to a premature termination codon 25 amino acids downstream. This alteration is then predicted to lead to a truncated or absent protein. It is of note, that loss of function of the KMT2E gene in autosomal dominant disease has not yet been established based on the criteria laid out in Tayoun, 2018 (PMID: 30192042).This alteration is then predicted to lead to a truncated or absent protein. In summary, the clinical significance of the p.Thr94fs*25 variant is uncertain.